The following is an entry in ClinVar:

NM_005640.3(TAF4B):c.585T>G (p.Pro195=)

Gene: TAF4B (TATA-box binding protein associated factor 4b; plus strand). Cytogenetic location: 18q11.2.
Variant type: single nucleotide variant.
Coding change: c.585T>G on transcript NM_005640.3 (MANE Select); coding-DNA position 585, T replaced by G.
Protein change: p.Pro195=; no amino-acid change (proline 195 retained).
Molecular consequence: synonymous variant. On other transcripts: non-coding transcript variant (1).
Genome position (GRCh38, 1-based): chr18:26,267,611, T>G. VCF-style: chr18-26267611-T-G. GRCh37 (hg19) VCF-style: chr18-23847575-T-G.
Other names: c.585T>G, p.Pro195= (NM_001293725.2).
Identifiers: ClinVar variation 748624 (VCV000748624.5), dbSNP rs200083564, ClinGen allele CA8921593.

ClinVar aggregate classification (germline): Benign. Review status: criteria provided, single submitter (1 of 4 stars). 2 submissions from 2 submitters: Benign (1). 1 of the submissions does not count toward it. Last evaluated 2018-08-23.

Conditions:
TAF4B-related disorder. Also called: TAF4B-related condition.

Allele frequency attached by ClinVar (database versions not stated): gnomAD 0.00010 and 0.00013; TOPMed 0.00017; gnomAD exomes 0.00019 and 0.00035; ExAC 0.00033; 1000 Genomes Project 30x 0.00047; 1000 Genomes Project 0.00060.
gnomAD v4.1: 298 of 1,613,344 alleles (0.018%); highest among the groups gnomAD compares: East Asian, 0.64%; 1 homozygote.

Submissions (2):

Labcorp Genetics (formerly Invitae), Labcorp
Classification: Benign. Last evaluated: 2018-08-23. Review status: criteria provided, single submitter. Criteria: Invitae Variant Classification Sherloc (09022015). Collection method: clinical testing. Allele origin: germline.

PreventionGenetics, part of Exact Sciences
Classification: Likely benign for TAF4B-related condition. Last evaluated: 2019-02-22. Review status: no assertion criteria provided. Collection method: clinical testing. Allele origin: germline. Not counted in ClinVar's aggregate classification.
Comment: This variant is classified as likely benign based on ACMG/AMP sequence variant interpretation guidelines (Richards et al. 2015 PMID: 25741868, with internal and published modifications).